The following is an entry in ClinVar:

ClinVar aggregate classification (germline): Likely benign (1 of 4 stars; one submission).

Allele frequency attached by ClinVar (database versions not stated): TOPMed 0.00004.
gnomAD v4.1: 14 of 1,612,228 alleles (0.00087%); highest among the groups gnomAD compares: Non-Finnish European, 0.0011%; no homozygotes.

Submission:

GeneDx
Classification: Likely benign. Last evaluated: 2016-08-22. Review status: criteria provided, single submitter. Criteria: GeneDx Variant Classification (06012015). Collection method: clinical testing. Allele origin: germline. Affected: yes.
Comment: This variant is considered likely benign or benign based on one or more of the following criteria: it is a conservative change, it occurs at a poorly conserved position in the protein, it is predicted to be benign by multiple in silico algorithms, and/or has population frequency not consistent with disease.

NM_015080.4(NRXN2):c.3585C>A (p.Ile1195=)

Gene: NRXN2 (neurexin 2; minus strand). Cytogenetic location: 11q13.1.
Variant type: single nucleotide variant.
Coding change: c.3585C>A on transcript NM_015080.4 (MANE Select); coding-DNA position 3585, C replaced by A.
Protein change: p.Ile1195=; no amino-acid change (isoleucine 1195 retained).
Molecular consequence: synonymous variant.
Genome position (GRCh38, 1-based): chr11:64,635,271, G>T on the plus strand (C>A on the coding strand, the complement: NRXN2 is on the minus strand). VCF-style: chr11-64635271-G-T. GRCh37 (hg19) VCF-style: chr11-64402743-G-T.
Other names: c.3585C>A, p.Ile1195= (NM_001376262.1); c.3564C>A, p.Ile1188= (NM_001376263.1, NM_001376267.1); c.3540C>A, p.Ile1180= (NM_001376265.1); c.3561C>A, p.Ile1187= (NM_001376266.1); c.3465C>A, p.Ile1155= (NM_138732.3); c.447C>A, p.Ile149= (NM_138734.3).
Identifiers: ClinVar variation 388809 (VCV000388809.1), dbSNP rs148368187, ClinGen allele CA16606272.
Genomic context (GRCh38, chr11:64,635,271, plus strand): 5'-GCTGAACTGATTTGGGAGCAGGAAGCTTGAGGTTGAAGGGTTGGGGCCCAGGGTCCTTAC[G>T]ATGTGCAGCTGCAGGTAGTCTCCAAGGCCGGAGGCGCTGTCCACCCGCACCAGCACAGCG-3'
Protein context (NP_055895.1, residues 1185-1205): SGLGDYLQLH[Ile1195=]DQGTVGVIFN